The following is an entry in ClinVar:

ClinVar aggregate classification (germline): Uncertain significance (1 of 4 stars; one submission).

Conditions:
Mitochondrial DNA depletion syndrome 12B (cardiomyopathic type), autosomal recessive. Also called: Mitochondrial DNA depletion syndrome 12B (cardiomyopathic type) AR. Identifiers: Orphanet 1369, MedGen C3809443, MONDO:0014175, OMIM 615418.

Submission:

Victorian Clinical Genetics Services, Murdoch Childrens Research Institute
Classification: Uncertain significance for Mitochondrial DNA depletion syndrome 12B (cardiomyopathic type), autosomal recessive. Last evaluated: 2026-06-29. Review status: criteria provided, single submitter. Criteria: ACMG Guidelines, 2015. Collection method: clinical testing. Allele origin: germline. Affected: yes.
Comment: This variant is classified as VUS-3A. Evidence in support of pathogenic classification: This variant is absent from gnomAD v4; Missense variant predicted to be damaging by in silico tool(s) and/or highly conserved with a major amino acid change. Additional information: This variant is predicted to result in a missense amino acid change from Asp to Val; This variant is heterozygous; This gene is associated with both recessive and dominant disease (OMIM); Alternative amino acid change(s) at the same position are present in gnomAD (highest allele count: v4: 2 heterozygote(s), 0 homozygote(s)); This variant has no previous evidence of pathogenicity; No published evidence of segregation with disease has been identified for this variant; No published functional evidence has been identified for this variant; No comparable variants have previous evidence for pathogenicity; Variant is located in the annotated mitochondrial carrier repeat domain (DECIPHER) and the residue forms part of a salt bridge (PMIDs: 27693233, 30046662); Loss of function is a known mechanism of disease in this gene. Variants associated with dominant mitochondrial DNA depletion syndrome 12A (cardiomyopathic type) (MIM#617184) have residual transport activity of around 3-24% and affect critical functional residues. Variants associated with recessive mitochondrial DNA depletion syndrome 12B (cardiomyopathic type) (MIM#615418) are complete null variants with <1% residual activity and likely trigger a compensatory mechanism. Variants associated with dominant progressive external ophthalmoplegia with mitochondrial DNA deletions 2 (MIM#609283) have around 24-56% residual activity and affect non-critical residues (PMID: 27693233).

Literature cited by the submitters: PubMed 30046662; PubMed 27693233.

NM_001151.4(SLC25A4):c.695A>T (p.Asp232Val)

Gene: SLC25A4 (solute carrier family 25 member 4; plus strand). Cytogenetic location: 4q35.1.
Variant type: single nucleotide variant.
Coding change: c.695A>T on transcript NM_001151.4 (MANE Select); coding-DNA position 695, A replaced by T.
Protein change: p.Asp232Val; replaces aspartic acid 232 with valine.
Molecular consequence: missense variant.
Genome position (GRCh38, 1-based): chr4:185,145,855, A>T. VCF-style: chr4-185145855-A-T. GRCh37 (hg19) VCF-style: chr4-186067009-A-T.
Other names: short protein forms D232V.
Identifiers: ClinVar variation 4879717 (VCV004879717.1).
Genomic context (GRCh38, chr4:185,145,855, plus strand): 5'-TGAGCTGGATGATTGCCCAGAGTGTGACGGCAGTCGCAGGGCTGGTGTCCTACCCCTTTG[A>T]CACTGTTCGTCGTAGAATGATGATGCAGTCCGGCCGGAAAGGGGGTAAGCTTGTGCTCTA-3'
Protein context (NP_001142.2, residues 222-242): AVAGLVSYPF[Asp232Val]TVRRRMMMQS